The following is an entry in ClinVar:

NM_177438.3(DICER1):c.890dup (p.Leu297fs)

Gene: DICER1 (dicer 1, ribonuclease III; minus strand). Cytogenetic location: 14q32.13.
Variant type: Duplication.
Coding change: c.890dup on transcript NM_177438.3 (MANE Select); coding-DNA position 890, one base duplicated (T; older notation c.890dupT).
Protein change: p.Leu297fs; shifts the reading frame from leucine 297.
Molecular consequence: frameshift variant. On other transcripts: 5 prime UTR variant (1), non-coding transcript variant (6).
Genome position (GRCh38, 1-based): chr14:95,126,593, A duplicated on the plus strand (T on the coding strand, the reverse complement: DICER1 is on the minus strand); the first of 3 consecutive A bases (chr14:95,126,593-95,126,595); duplicating any one gives the same sequence. VCF-style (leftmost placement, unchanged base first): chr14-95126592-T-TA. GRCh37 (hg19) VCF-style: chr14-95592929-T-TA.
Other names: c.890dup, p.Leu297fs (NM_001195573.1, NM_001395678.1, NM_001271282.3 and 14 more transcripts); c.888dup, p.Leu297Phefs (NM_001395681.1); c.608dup, p.Leu203fs (NM_001395686.1); c.485dup, p.Leu162fs (NM_001395687.1, NM_001395688.1, NM_001395689.1 and 3 more transcripts); c.323dup, p.Leu108fs (NM_001395691.1); c.-679dup (NM_001395697.1); c.890dupT (NM_177438.2); short protein forms L162fs, L203fs, L108fs, L297fs.
Identifiers: ClinVar variation 2451700 (VCV002451700.2), dbSNP rs2543227368, ClinGen allele CA2580089179.

ClinVar aggregate classification (germline): Pathogenic (1 of 4 stars; one submission).

Conditions:
Hereditary cancer-predisposing syndrome. Also called: Neoplastic Syndromes, Hereditary; Tumor predisposition; Hereditary neoplastic syndrome; Hereditary Cancer Syndrome. Identifiers: Orphanet 140162, MedGen C0027672, MeSH D009386, MONDO:0015356.

Submission:

Ambry Genetics
Classification: Pathogenic for Hereditary cancer-predisposing syndrome. Last evaluated: 2022-12-27. Review status: criteria provided, single submitter. Criteria: Ambry Variant Classification Scheme 2023. Collection method: clinical testing. Allele origin: germline.
Comment: The c.890dupT pathogenic mutation, located in coding exon 6 of the DICER1 gene, results from a duplication of T at nucleotide position 890, causing a translational frameshift with a predicted alternate stop codon (p.L297Ffs*24). This alteration is expected to result in loss of function by premature protein truncation or nonsense-mediated mRNA decay. As such, this alteration is interpreted as a disease-causing mutation.